The following is an entry in ClinVar:

NM_014704.4(CEP104):c.1317+1del

Gene: CEP104 (centrosomal protein 104; minus strand). Cytogenetic location: 1p36.32.
Variant type: Deletion.
Coding change: c.1317+1del on transcript NM_014704.4 (MANE Select); the canonical splice donor site of the intron after coding-DNA position 1317, one base deleted (G; older notation c.1317+1delG).
Molecular consequence: splice donor variant.
Genome position (GRCh38, 1-based): chr1:3,836,494, C deleted on the plus strand (G on the coding strand, the reverse complement: CEP104 is on the minus strand); the first of 2 consecutive C bases (chr1:3,836,494-3,836,495); deleting either gives the same sequence. VCF-style (leftmost placement, unchanged base first): chr1-3836493-AC-A. GRCh37 (hg19) VCF-style: chr1-3753057-AC-A.
Other names: c.1317+1delG (NM_014704.4).
Identifiers: ClinVar variation 3896380 (VCV003896380.2).

ClinVar aggregate classification (germline): Likely pathogenic (1 of 4 stars; one submission).

Conditions:
Joubert syndrome and related disorders. Identifiers: Orphanet 140874, MedGen C5679612, MONDO:0015369.

Submission:

Women's Health and Genetics/Laboratory Corporation of America, LabCorp
Classification: Likely pathogenic for Joubert syndrome and related disorders. Last evaluated: 2025-04-09. Review status: criteria provided, single submitter. Criteria: LabCorp Variant Classification Summary - May 2015. Collection method: clinical testing. Allele origin: germline.
Comment: Variant summary: CEP104 c.1317+1delG is located in a canonical splice-site and is predicted to affect mRNA splicing resulting in a significantly altered protein due to either exon skipping, shortening, or inclusion of intronic material. Variants that disrupt the consensus splice site are a relatively common cause of aberrant splicing and loss of CEP104 function. Computational tools predict a significant impact on normal splicing: Three predict the variant abolishes a canonical 5' splicing donor site. However, these predictions have yet to be confirmed by functional studies. The frequency data for this variant in gnomAD is considered unreliable, as metrics indicate poor data quality at this position. To our knowledge, no occurrence of c.1317+1delG in individuals affected with Joubert Syndrome And Related Disorders and no experimental evidence demonstrating its impact on protein function have been reported. No submitters have cited clinical-significance assessments for this variant to ClinVar. Based on the evidence outlined above, the variant was classified as likely pathogenic.